The following is an entry in ClinVar:

NM_001903.5(CTNNA1):c.301+7C>G

Gene: CTNNA1 (catenin alpha 1; plus strand). Cytogenetic location: 5q31.2.
Variant type: single nucleotide variant.
Coding change: c.301+7C>G on transcript NM_001903.5 (MANE Select); 7 bases into the intron after coding-DNA position 301, C replaced by G.
Molecular consequence: intron variant.
Genome position (GRCh38, 1-based): chr5:138,783,379, C>G. VCF-style: chr5-138783379-C-G. GRCh37 (hg19) VCF-style: chr5-138119068-C-G.
Other names: c.301+7C>G (NM_001323982.2, NM_001323984.2, NM_001290307.3 and 3 more transcripts); c.-6+107C>G (NM_001290310.3); c.-9+1350C>G (NM_001290309.3).
Identifiers: ClinVar variation 3684265 (VCV003684265.3).

ClinVar aggregate classification (germline): Likely benign. Review status: criteria provided, multiple submitters, no conflicts (2 of 4 stars). 2 submissions from 2 submitters: Likely benign (2). Last evaluated 2024-10-09.

Conditions:
Hereditary diffuse gastric adenocarcinoma (HDGC). Also called: DIFFUSE GASTRIC AND LOBULAR BREAST CANCER SYNDROME. Identifiers: Orphanet 26106, MedGen C1708349, MONDO:0007648, OMIM 137215.

Submissions (2):

Myriad Genetics, Inc.
Classification: Likely benign for Hereditary diffuse gastric adenocarcinoma. Last evaluated: 2024-10-09. Review status: criteria provided, single submitter. Criteria: Myriad Autosomal Dominant, Autosomal Recessive and X-Linked Classification Criteria (2023). Collection method: clinical testing. Allele origin: unknown.
Comment: This variant is considered likely benign. This variant is intronic and is not expected to impact mRNA splicing.

Labcorp Genetics (formerly Invitae), Labcorp
Classification: Likely benign. Last evaluated: 2024-06-16. Review status: criteria provided, single submitter. Criteria: Invitae Variant Classification Sherloc (09022015). Collection method: clinical testing. Allele origin: germline.